The following is an entry in ClinVar:

NM_058216.3(RAD51C):c.645C>T (p.Asp215=)

Genes: RAD51C (RAD51 paralog C; plus strand), LOC129390903 (MPRA-validated peak2919 silencer; plus strand). Cytogenetic location: 17q22.
Variant type: single nucleotide variant.
Coding change: c.645C>T on transcript NM_058216.3 (MANE Select); coding-DNA position 645, C replaced by T.
Protein change: p.Asp215=; no amino-acid change (aspartic acid 215 retained).
Molecular consequence: synonymous variant. On other transcripts: non-coding transcript variant (1).
Genome position (GRCh38, 1-based): chr17:58,703,269, C>T. VCF-style: chr17-58703269-C-T. GRCh37 (hg19) VCF-style: chr17-56780630-C-T.
Other names: c.*73C>T (NM_058217.1).
Identifiers: ClinVar variation 2774198 (VCV002774198.6), dbSNP rs2143799278, ClinGen allele CA501075229.
Genomic context (GRCh38, chr17:58,703,269, plus strand): 5'-TTTGGAGGATTTCACTCTTGATAATATTCTTTCTCATATTTATTATTTTCGCTGTCGTGA[C>T]TACACAGAGTTACTGGCACAAGTTTATCTTCTTCCAGATTTCCTTTCAGAACACTCAAAG-3'
Protein context (NP_478123.1, residues 205-225): LSHIYYFRCR[Asp215=]YTELLAQVYL

ClinVar aggregate classification (germline): Benign/Likely benign. Review status: criteria provided, multiple submitters, no conflicts (2 of 4 stars). 3 submissions from 3 submitters: Benign (1); Likely benign (2). Last evaluated 2025-02-18.

Conditions:
Hereditary cancer-predisposing syndrome. Also called: Hereditary Cancer Syndrome; Hereditary neoplastic syndrome; Tumor predisposition; Neoplastic Syndromes, Hereditary. Identifiers: Orphanet 140162, MedGen C0027672, MeSH D009386, MONDO:0015356.
Fanconi anemia complementation group O. Also called: RAD51C-Related Fanconi Anemia. Identifiers: Orphanet 84, MedGen C3150653, MONDO:0013248, OMIM 613390.
Breast-ovarian cancer, familial, susceptibility to, 3. Also called: RAD51C-Related Breast/Ovarian Cancer. Identifiers: Orphanet 145, MedGen C3150659, MONDO:0013253, OMIM 613399.

gnomAD v4.1: 1 of 1,609,490 alleles (0.000062%); no homozygotes.

Submissions (3):

Myriad Genetics, Inc.
Classification: Benign for Breast-ovarian cancer, familial, susceptibility to, 3. Last evaluated: 2025-02-18. Review status: criteria provided, single submitter. Criteria: Myriad Autosomal Dominant, Autosomal Recessive and X-Linked Classification Criteria (2023). Collection method: clinical testing. Allele origin: unknown.
Comment: This variant is considered benign. This variant is a silent/synonymous amino acid change and it is not expected to impact splicing.

Labcorp Genetics (formerly Invitae), Labcorp
Classification: Likely benign for Fanconi anemia complementation group O. Last evaluated: 2024-05-17. Review status: criteria provided, single submitter. Criteria: Invitae Variant Classification Sherloc (09022015). Collection method: clinical testing. Allele origin: germline.

Color Diagnostics, LLC DBA Color Health
Classification: Likely benign for Hereditary cancer-predisposing syndrome. Last evaluated: 2022-08-01. Review status: criteria provided, single submitter. Criteria: ACMG Guidelines, 2015. Collection method: clinical testing. Allele origin: germline.